The following is an entry in ClinVar:

NM_001354604.2(MITF):c.104+24195T>C

Gene: MITF (melanocyte inducing transcription factor; plus strand). Cytogenetic location: 3p13.
Variant type: single nucleotide variant.
Coding change: c.104+24195T>C on transcript NM_001354604.2 (MANE Select); 24195 bases into the intron after coding-DNA position 104, T replaced by C.
Molecular consequence: intron variant. On other transcripts: missense variant (1).
Genome position (GRCh38, 1-based): chr3:69,763,896, T>C. VCF-style: chr3-69763896-T-C. GRCh37 (hg19) VCF-style: chr3-69813047-T-C.
Other names: c.55T>C, p.Cys19Arg (NM_006722.3); c.-77+24195T>C (NM_001354607.2); c.-92+24195T>C (NM_001354608.2); c.104+24195T>C (NM_198159.3, NM_001354605.2, NM_001354606.2); c.-53+204T>C (NM_001184967.2); short protein forms C19R.
Identifiers: ClinVar variation 4978236 (VCV004978236.1).
Genomic context (GRCh38, chr3:69,763,896, plus strand): 5'-AGTCAAATGGGACACCTTGAAAATACTTCAGTGGTTTTCCCACGAGCTATTTTCTCTCTC[T>C]GTGAAAAGGAAACCAGGAAATTGACTCTGTGCCTGTTTTCAAGAAGGTAATACAGATGAT-3'

ClinVar aggregate classification (germline): Uncertain significance (1 of 4 stars; one submission).

Conditions:
MITF-related disorder. Also called: MITF-related condition.

gnomAD v4.1: 14 of 1,378,486 alleles (0.001%); highest among the groups gnomAD compares: Admixed American, 0.018%; no homozygotes.

Submission:

PreventionGenetics, part of Exact Sciences
Classification: Uncertain significance for MITF-related condition. Last evaluated: 2026-04-29. Review status: criteria provided, single submitter. Criteria: ACMG Guidelines, 2015. Collection method: clinical testing. Allele origin: germline.
Comment: The MITF c.55T>C variant is predicted to result in the amino acid substitution p.Cys19Arg. To our knowledge, this variant has not been reported in the literature. This variant is reported in 0.031% of alleles in individuals of Latino descent in gnomAD. At this time, the clinical significance of this variant is uncertain due to the absence of conclusive functional and genetic evidence.